The following is an entry in ClinVar:

ClinVar aggregate classification (germline): Conflicting classifications of pathogenicity. Review status: criteria provided, conflicting classifications (1 of 4 stars). 2 submissions from 2 submitters: Uncertain significance (1); Likely benign (1). Last evaluated 2023-03-23.

Conditions:
Hereditary cancer-predisposing syndrome. Also called: Neoplastic Syndromes, Hereditary; Tumor predisposition; Hereditary neoplastic syndrome; Hereditary Cancer Syndrome. Identifiers: Orphanet 140162, MedGen C0027672, MeSH D009386, MONDO:0015356.

Submissions (2):

University of Washington Department of Laboratory Medicine, University of Washington
Classification: Likely benign for Hereditary cancer-predisposing syndrome. Last evaluated: 2023-03-23. Review status: criteria provided, single submitter. Criteria: Dines et al. (Genet Med. 2020). Collection method: curation. Allele origin: germline.
Comment: Missense variant in a coldspot region where missense variants are very unlikely to be pathogenic (PMID:31911673).

BRCA2 exon 11 coldspot. Reclassification based on statistical prior probability.

Ambry Genetics
Classification: Uncertain significance for Hereditary cancer-predisposing syndrome. Last evaluated: 2019-06-28. Review status: criteria provided, single submitter. Criteria: Ambry Variant Classification Scheme 2023. Collection method: clinical testing. Allele origin: germline.
Comment: The p.K1919R variant (also known as c.5756A>G), located in coding exon 10 of the BRCA2 gene, results from an A to G substitution at nucleotide position 5756. The lysine at codon 1919 is replaced by arginine, an amino acid with highly similar properties. This amino acid position is poorly conserved in available vertebrate species. In addition, the in silico prediction for this alteration is inconclusive. Since supporting evidence is limited at this time, the clinical significance of this alteration remains unclear.

NM_000059.4(BRCA2):c.5756A>G (p.Lys1919Arg)

Gene: BRCA2 (BRCA2 DNA repair associated; plus strand). Cytogenetic location: 13q13.1.
Variant type: single nucleotide variant.
Coding change: c.5756A>G on transcript NM_000059.4 (MANE Select); coding-DNA position 5756, A replaced by G.
Protein change: p.Lys1919Arg; replaces lysine 1919 with arginine.
Molecular consequence: missense variant.
Genome position (GRCh38, 1-based): chr13:32,340,111, A>G. VCF-style: chr13-32340111-A-G. GRCh37 (hg19) VCF-style: chr13-32914248-A-G.
Other names: short protein forms K1919R.
Identifiers: ClinVar variation 825943 (VCV000825943.6), dbSNP rs1593906437, ClinGen allele CA387787048.